The following is an entry in ClinVar:

ClinVar aggregate classification (germline): Benign/Likely benign. Review status: criteria provided, multiple submitters, no conflicts (2 of 4 stars). 7 submissions from 7 submitters: Benign (4); Likely benign (3). Last evaluated 2026-02-01.

Conditions:
Microphthalmia, syndromic 9. Also called: Matthew-Wood syndrome; PULMONARY AGENESIS, MICROPHTHALMIA, AND DIAPHRAGMATIC DEFECT; SPEAR SYNDROME; ANOPHTHALMIA, CLINICAL, WITH MILD FACIAL DYSMORPHISM AND VARIABLE MALFORMATIONS OF THE LUNG, HEART, AND DIAPHRAGM; ANOPHTHALMIA/MICROPHTHALMIA AND PULMONARY HYPOPLASIA. Identifiers: Orphanet 2470, MedGen C1832661, MONDO:0011010, OMIM 601186.
Inborn genetic diseases. Identifiers: MedGen C0950123, MeSH D030342.

Allele frequency attached by ClinVar (database versions not stated): 1000 Genomes Project 30x 0.00344; 1000 Genomes Project 0.00359; TOPMed 0.00727; ExAC 0.00739; gnomAD exomes 0.00756 and 0.01098; gnomAD 0.00790 and 0.00795; ESP Exome Variant Server 0.00847.
gnomAD v4.1: 17,178 of 1,613,962 alleles (1.1%); highest among the groups gnomAD compares: Non-Finnish European, 1.3%; 114 homozygotes.

Submissions (7):

CeGaT Center for Human Genetics Tuebingen
Classification: Benign. Last evaluated: 2026-02-01. Review status: criteria provided, single submitter. Criteria: CeGaT Center For Human Genetics Tuebingen Variant Classification Criteria Version 2. Collection method: clinical testing. Allele origin: germline. Affected: yes. Observed: 10 variant alleles.
Comment: STRA6: BP4, BS1, BS2

Labcorp Genetics (formerly Invitae), Labcorp
Classification: Benign for Microphthalmia, syndromic 9. Last evaluated: 2025-12-17. Review status: criteria provided, single submitter. Criteria: Invitae Variant Classification Sherloc (09022015). Collection method: clinical testing. Allele origin: germline.

Blueprint Genetics
Classification: Likely benign. Last evaluated: 2024-11-20. Review status: criteria provided, single submitter. Criteria: ACMG Guidelines, 2015. Collection method: clinical testing. Allele origin: germline.

Ambry Genetics
Classification: Likely benign for Inborn genetic diseases. Last evaluated: 2021-08-09. Review status: criteria provided, single submitter. Criteria: Ambry Variant Classification Scheme 2023. Collection method: clinical testing. Allele origin: germline.

GeneDx
Classification: Likely benign. Last evaluated: 2021-05-06. Review status: criteria provided, single submitter. Criteria: GeneDx Variant Classification Process June 2021. Collection method: clinical testing. Allele origin: germline. Affected: yes.
Comment: See Variant Classification Assertion Criteria.

Illumina Laboratory Services, Illumina
Classification: Benign for Microphthalmia, syndromic 9. Last evaluated: 2018-01-12. Review status: criteria provided, single submitter. Criteria: ICSL Variant Classification Criteria 13 December 2019. Collection method: clinical testing. Allele origin: germline.
Comment: This variant was observed in the ICSL laboratory as part of a predisposition screen in an ostensibly healthy population. It had not been previously curated by ICSL or reported in the Human Gene Mutation Database (HGMD: prior to June 1st, 2018), and was therefore a candidate for classification through an automated scoring system. Utilizing variant allele frequency, disease prevalence and penetrance estimates, and inheritance mode, an automated score was calculated to assess if this variant is too frequent to cause the disease. Based on the score and internal cut-off values, a variant classified as benign is not then subjected to further curation. The score for this variant resulted in a classification of benign for this disease.

Breakthrough Genomics
Classification: Benign. Review status: criteria provided, single submitter. Criteria: ACMG Guidelines, 2015. Collection method: not provided. Allele origin: germline. Inheritance: Autosomal recessive inheritance. Affected: yes.

NM_022369.4(STRA6):c.1903G>A (p.Gly635Ser)

Gene: STRA6 (signaling receptor and transporter of retinol STRA6; minus strand). Cytogenetic location: 15q24.1.
Variant type: single nucleotide variant.
Coding change: c.1903G>A on transcript NM_022369.4 (MANE Select); coding-DNA position 1903, G replaced by A.
Protein change: p.Gly635Ser; replaces glycine 635 with serine.
Molecular consequence: missense variant.
Genome position (GRCh38, 1-based): chr15:74,180,181, C>T on the plus strand (G>A on the coding strand, the complement: STRA6 is on the minus strand). VCF-style: chr15-74180181-C-T. GRCh37 (hg19) VCF-style: chr15-74472522-C-T.
Other names: c.1903G>A, p.Gly635Ser (NM_001142617.2, NM_001142618.2); c.1876G>A, p.Gly626Ser (NM_001142619.2); c.2014G>A, p.Gly672Ser (NM_001199040.2); c.1948G>A, p.Gly650Ser (NM_001199041.2); c.2020G>A, p.Gly674Ser (NM_001199042.2); short protein forms G635S, G672S, G674S, G626S, G650S.
Identifiers: ClinVar variation 317096 (VCV000317096.41), dbSNP rs145614612, ClinGen allele CA7654391.